The following is an entry in ClinVar:

ClinVar aggregate classification (germline): Likely pathogenic (1 of 4 stars; one submission).

Conditions:
Hereditary spastic paraplegia 4. Also called: Spastic paraplegia 4, autosomal dominant; Familial spastic paraplegia autosomal dominant 2; Spastic Paraplegia 4. Identifiers: Orphanet 100985, MedGen C1866855, MONDO:0008438, OMIM 182601.

Submission:

Neurology Department, Peking University First Hospital
Classification: Likely pathogenic for Hereditary spastic paraplegia 4. Last evaluated: 2025-07-01. Review status: criteria provided, single submitter. Criteria: ACMG Guidelines, 2015. Collection method: clinical testing. Allele origin: germline. Inheritance: Autosomal dominant inheritance. Affected: yes. Observed: 2 variant alleles.
Comment: PM2+PM4+PP1+PP3

NM_014946.4(SPAST):c.1813_1816del (p.Ile605fs)

Gene: SPAST (spastin; plus strand). Cytogenetic location: 2p22.3.
Variant type: Deletion.
Coding change: c.1813_1816del on transcript NM_014946.4 (MANE Select); coding-DNA positions 1813 to 1816, 4 bases deleted (ATAC; older notation c.1813_1816delATAC).
Protein change: p.Ile605fs; shifts the reading frame from isoleucine 605.
Molecular consequence: frameshift variant. On other transcripts: 3 prime UTR variant (1).
Genome position (GRCh38, 1-based): chr2:32,154,458-32,154,461, ATAC deleted; deleting any 4 consecutive bases within chr2:32,154,455-32,154,461 gives the same sequence; the c. name uses the placement nearest the transcript's 3' end. VCF-style (leftmost placement, unchanged base first): chr2-32154454-GTACA-G. GRCh37 (hg19) VCF-style: chr2-32379523-GTACA-G.
Other names: c.1813_1816delATAC (NM_014946.4); c.1810_1813del, p.Ile604fs (NM_001363823.2); c.1714_1717del, p.Ile572fs (NM_001363875.2); c.*86_*89del (NM_001377959.1); c.1717_1720del, p.Ile573fs (NM_199436.2); short protein forms I572fs, I573fs, I604fs, I605fs.
Identifiers: ClinVar variation 4076125 (VCV004076125.1).